The following is an entry in ClinVar:

ClinVar aggregate classification (germline): Uncertain significance (1 of 4 stars; one submission).

Conditions:
Mitochondrial complex III deficiency nuclear type 5. Identifiers: MedGen C3554608, MONDO:0014066, OMIM 615160.

Allele frequency attached by ClinVar (database versions not stated): gnomAD exomes below 0.00001 and 0.00001.
gnomAD v4.1: 11 of 1,614,176 alleles (0.00068%); highest among the groups gnomAD compares: Non-Finnish European, 0.00093%; no homozygotes.

Submission:

Baylor Genetics
Classification: Uncertain significance for Mitochondrial complex III deficiency nuclear type 5. Last evaluated: 2020-10-02. Review status: criteria provided, single submitter. Criteria: ACMG Guidelines, 2015. Collection method: clinical testing. Allele origin: unknown. Affected: yes.
Comment: This variant was determined to be of uncertain significance according to ACMG Guidelines, 2015 [PMID:25741868].

NM_003366.4(UQCRC2):c.1228T>C (p.Ser410Pro)

Genes: PDZD9 (PDZ domain containing 9), UQCRC2 (ubiquinol-cytochrome c reductase core protein 2). Cytogenetic location: 16p12.2.
Variant type: single nucleotide variant.
Coding change: c.1228T>C on transcript NM_003366.4 (MANE Select); coding-DNA position 1228, T replaced by C.
Protein change: p.Ser410Pro; replaces serine 410 with proline.
Molecular consequence: missense variant.
Genome position (GRCh38, 1-based): chr16:21,980,650, T>C. VCF-style: chr16-21980650-T-C. GRCh37 (hg19) VCF-style: chr16-21991971-T-C.
Other names: short protein forms S410P.
Identifiers: ClinVar variation 1029699 (VCV001029699.1), dbSNP rs1164035037, ClinGen allele CA395255801.